The following is an entry in ClinVar:

NM_005359.6(SMAD4):c.1641C>T (p.Asp547=)

Gene: SMAD4 (SMAD family member 4; plus strand). Cytogenetic location: 18q21.2.
Variant type: single nucleotide variant.
Coding change: c.1641C>T on transcript NM_005359.6 (MANE Select); coding-DNA position 1641, C replaced by T.
Protein change: p.Asp547=; no amino-acid change (aspartic acid 547 retained).
Molecular consequence: synonymous variant.
Genome position (GRCh38, 1-based): chr18:51,078,449, C>T. VCF-style: chr18-51078449-C-T. GRCh37 (hg19) VCF-style: chr18-48604819-C-T.
Identifiers: ClinVar variation 389140 (VCV000389140.15), dbSNP rs1057523337, ClinGen allele CA16607952.

ClinVar aggregate classification (germline): Benign/Likely benign. Review status: criteria provided, multiple submitters, no conflicts (2 of 4 stars). 6 submissions from 6 submitters: Benign (1); Likely benign (4). 1 of the submissions does not count toward it. Last evaluated 2025-10-23.

Conditions:
SMAD4-related disorder. Also called: SMAD4-related condition; SMAD4-Related disorders.
Hereditary cancer-predisposing syndrome. Also called: Neoplastic Syndromes, Hereditary; Hereditary Cancer Syndrome; Hereditary neoplastic syndrome; Tumor predisposition. Identifiers: Orphanet 140162, MedGen C0027672, MeSH D009386, MONDO:0015356.
Familial thoracic aortic aneurysm and aortic dissection (TAAD). Also called: Thoracic aortic aneurysms and dissections. Identifiers: Orphanet 91387, MedGen C4707243, MONDO:0019625.
Juvenile polyposis syndrome (JPS). Identifiers: Orphanet 2929, MedGen C0345893, MONDO:0017380, OMIM 174900.
Juvenile polyposis/hereditary hemorrhagic telangiectasia syndrome (JPHT). Also called: POLYPOSIS, GENERALIZED JUVENILE, WITH PULMONARY ARTERIOVENOUS MALFORMATION; TELANGIECTASIA, HEREDITARY HEMORRHAGIC, WITH JUVENILE POLYPOSIS COLI; Juvenile Polyposis Syndrome / Hereditary Hemorrhagic Telangiectasia (JPS/HHT); JP/HHT SYNDROME; JUVENILE POLYPOSIS WITH HEREDITARY HEMORRHAGIC TELANGIECTASIA. Identifiers: Orphanet 2929, MedGen C1832942, MONDO:0008278, OMIM 175050.

Submissions (6):

Labcorp Genetics (formerly Invitae), Labcorp
Classification: Likely benign for Juvenile polyposis syndrome. Last evaluated: 2025-10-23. Review status: criteria provided, single submitter. Criteria: Invitae Variant Classification Sherloc (09022015). Collection method: clinical testing. Allele origin: germline.

Myriad Genetics, Inc.
Classification: Benign for Juvenile polyposis/hereditary hemorrhagic telangiectasia syndrome. Last evaluated: 2025-03-24. Review status: criteria provided, single submitter. Criteria: Myriad Autosomal Dominant, Autosomal Recessive and X-Linked Classification Criteria (2023). Collection method: clinical testing. Allele origin: unknown.
Comment: This variant is considered benign. This variant is a silent/synonymous amino acid change and it is not expected to impact splicing.

Ambry Genetics
Classification: Likely benign for Hereditary cancer-predisposing syndrome; Familial thoracic aortic aneurysm and aortic dissection. Last evaluated: 2024-07-02. Review status: criteria provided, single submitter. Criteria: Ambry Variant Classification Scheme 2023. Collection method: clinical testing. Allele origin: germline.

Color Diagnostics, LLC DBA Color Health
Classification: Likely benign for Hereditary cancer-predisposing syndrome. Last evaluated: 2024-01-29. Review status: criteria provided, single submitter. Criteria: ACMG Guidelines, 2015. Collection method: clinical testing. Allele origin: germline.

GeneDx
Classification: Likely benign. Last evaluated: 2016-09-02. Review status: criteria provided, single submitter. Criteria: GeneDx Variant Classification (06012015). Collection method: clinical testing. Allele origin: germline. Affected: yes.
Comment: This variant is considered likely benign or benign based on one or more of the following criteria: it is a conservative change, it occurs at a poorly conserved position in the protein, it is predicted to be benign by multiple in silico algorithms, and/or has population frequency not consistent with disease.

PreventionGenetics, part of Exact Sciences
Classification: Likely benign for SMAD4-related condition. Last evaluated: 2021-01-08. Review status: no assertion criteria provided. Collection method: clinical testing. Allele origin: germline. Not counted in ClinVar's aggregate classification.
Comment: This variant is classified as likely benign based on ACMG/AMP sequence variant interpretation guidelines (Richards et al. 2015 PMID: 25741868, with internal and published modifications).